The following is an entry in ClinVar:

ClinVar aggregate classification (germline): Pathogenic (1 of 4 stars; one submission).

Submission:

GeneDx
Classification: Pathogenic. Last evaluated: 2026-04-05. Review status: criteria provided, single submitter. Criteria: GeneDx Variant Classification Process June 2021. Collection method: clinical testing. Allele origin: germline.
Comment: Reported in a patient with congenital heart disease in published literature (PMID: 40127276); Frameshift variant predicted to result in protein truncation or nonsense mediated decay in a gene for which loss of function is a known mechanism of disease; Not observed at significant frequency in large population cohorts (gnomAD); This variant is associated with the following publications: (PMID: 40127276)

NM_198334.3(GANAB):c.2020del (p.Arg674fs)

Gene: GANAB (glucosidase II alpha subunit; minus strand). Cytogenetic location: 11q12.3.
Variant type: Deletion.
Coding change: c.2020del on transcript NM_198334.3 (MANE Select); coding-DNA position 2020, one base deleted (C; older notation c.2020delC).
Protein change: p.Arg674fs; shifts the reading frame from arginine 674.
Molecular consequence: frameshift variant.
Genome position (GRCh38, 1-based): chr11:62,628,929, G deleted on the plus strand (C on the coding strand, the reverse complement: GANAB is on the minus strand); the first of 2 consecutive G bases (chr11:62,628,929-62,628,930); deleting either gives the same sequence. VCF-style (leftmost placement, unchanged base first): chr11-62628928-CG-C. GRCh37 (hg19) VCF-style: chr11-62396400-CG-C.
Other names: c.1744del, p.Arg582fs (NM_001278192.2); c.1678del, p.Arg560fs (NM_001278193.2); c.1729del, p.Arg577fs (NM_001278194.2, NM_001329222.2, NM_001329223.2); c.1297del, p.Arg433fs (NM_001329224.2, NM_001329225.2); c.2086del, p.Arg696fs (NM_198335.4); short protein forms R433fs, R560fs, R577fs, R582fs, R674fs, R696fs.
Identifiers: ClinVar variation 5016721 (VCV005016721.1).